The following is an entry in ClinVar:

ClinVar aggregate classification (germline): Uncertain significance (1 of 4 stars; one submission).

Allele frequency attached by ClinVar (database versions not stated): gnomAD 0.00001; gnomAD exomes 0.00001; ExAC 0.00002; TOPMed 0.00002.
gnomAD v4.1: 22 of 1,613,944 alleles (0.0014%); highest among the groups gnomAD compares: South Asian, 0.0099%; no homozygotes.

Submission:

Labcorp Genetics (formerly Invitae), Labcorp
Classification: Uncertain significance. Last evaluated: 2024-10-17. Review status: criteria provided, single submitter. Criteria: Invitae Variant Classification Sherloc (09022015). Collection method: clinical testing. Allele origin: germline.
Comment: This sequence change replaces glycine, which is neutral and non-polar, with arginine, which is basic and polar, at codon 277 of the EIF2AK3 protein (p.Gly277Arg). This variant is present in population databases (rs780485346, gnomAD 0.006%). This variant has not been reported in the literature in individuals affected with EIF2AK3-related conditions. ClinVar contains an entry for this variant (Variation ID: 1962396). An algorithm developed to predict the effect of missense changes on protein structure and function outputs the following: PolyPhen-2: "Benign". The arginine amino acid residue is found in multiple mammalian species, which suggests that this missense change does not adversely affect protein function. In summary, the available evidence is currently insufficient to determine the role of this variant in disease. Therefore, it has been classified as a Variant of Uncertain Significance.

NM_004836.7(EIF2AK3):c.829G>A (p.Gly277Arg)

Gene: EIF2AK3 (eukaryotic translation initiation factor 2 alpha kinase 3; minus strand). Cytogenetic location: 2p11.2.
Variant type: single nucleotide variant.
Coding change: c.829G>A on transcript NM_004836.7 (MANE Select); coding-DNA position 829, G replaced by A.
Protein change: p.Gly277Arg; replaces glycine 277 with arginine.
Molecular consequence: missense variant.
Genome position (GRCh38, 1-based): chr2:88,590,991, C>T on the plus strand (G>A on the coding strand, the complement: EIF2AK3 is on the minus strand). VCF-style: chr2-88590991-C-T. GRCh37 (hg19) VCF-style: chr2-88890509-C-T.
Other names: c.376G>A, p.Gly126Arg (NM_001313915.2); short protein forms G277R, G126R.
Identifiers: ClinVar variation 1962396 (VCV001962396.3), dbSNP rs780485346, ClinGen allele CA1754829.